The following is an entry in ClinVar:

ClinVar aggregate classification (germline): Uncertain significance. Review status: criteria provided, multiple submitters, no conflicts (2 of 4 stars). 2 submissions from 2 submitters: Uncertain significance (2). Last evaluated 2025-05-27.

Conditions:
Hereditary cancer-predisposing syndrome. Also called: Neoplastic Syndromes, Hereditary; Hereditary Cancer Syndrome; Hereditary neoplastic syndrome; Tumor predisposition. Identifiers: Orphanet 140162, MedGen C0027672, MeSH D009386, MONDO:0015356.
DICER1-related tumor predisposition. Also called: DICER1 syndrome; DICER1-related pleuropulmonary blastoma cancer predisposition syndrome. Identifiers: Orphanet 284343, MedGen C3839822, MONDO:0100216.

Submissions (2):

Ambry Genetics
Classification: Uncertain significance for Hereditary cancer-predisposing syndrome. Last evaluated: 2025-05-27. Review status: criteria provided, single submitter. Criteria: Ambry Variant Classification Scheme 2023. Collection method: clinical testing. Allele origin: germline.
Comment: The p.K1680N variant (also known as c.5040G>C), located in coding exon 22 of the DICER1 gene, results from a G to C substitution at nucleotide position 5040. The lysine at codon 1680 is replaced by asparagine, an amino acid with similar properties. This amino acid position is conserved. In addition, the in silico prediction for this alteration is inconclusive. Based on the available evidence, the clinical significance of this variant remains unclear.

Labcorp Genetics (formerly Invitae), Labcorp
Classification: Uncertain significance for DICER1-related tumor predisposition. Last evaluated: 2025-05-27. Review status: criteria provided, single submitter. Criteria: Invitae Variant Classification Sherloc (09022015). Collection method: clinical testing. Allele origin: germline.
Comment: This sequence change replaces lysine, which is basic and polar, with asparagine, which is neutral and polar, at codon 1680 of the DICER1 protein (p.Lys1680Asn). This variant is not present in population databases (gnomAD no frequency). This variant has not been reported in the literature in individuals affected with DICER1-related conditions. ClinVar contains an entry for this variant (Variation ID: 642903). Invitae Evidence Modeling of protein sequence and biophysical properties (such as structural, functional, and spatial information, amino acid conservation, physicochemical variation, residue mobility, and thermodynamic stability) has been performed for this missense variant. However, the output from this modeling did not meet the statistical confidence thresholds required to predict the impact of this variant on DICER1 protein function. In summary, the available evidence is currently insufficient to determine the role of this variant in disease. Therefore, it has been classified as a Variant of Uncertain Significance.

NM_177438.3(DICER1):c.5040G>C (p.Lys1680Asn)

Gene: DICER1 (dicer 1, ribonuclease III; minus strand). Cytogenetic location: 14q32.13.
Variant type: single nucleotide variant.
Coding change: c.5040G>C on transcript NM_177438.3 (MANE Select); coding-DNA position 5040, G replaced by C.
Protein change: p.Lys1680Asn; replaces lysine 1680 with asparagine.
Molecular consequence: missense variant.
Genome position (GRCh38, 1-based): chr14:95,095,880, C>G on the plus strand (G>C on the coding strand, the complement: DICER1 is on the minus strand). VCF-style: chr14-95095880-C-G. GRCh37 (hg19) VCF-style: chr14-95562217-C-G.
Other names: c.5040G>C, p.Lys1680Asn (NM_001195573.1, NM_001271282.3, NM_001291628.2 and 1 more transcripts); short protein forms K1680N.
Identifiers: ClinVar variation 642903 (VCV000642903.11), dbSNP rs765605529, ClinGen allele CA390866034.